The following is an entry in ClinVar:

ClinVar aggregate classification (germline): Uncertain significance (1 of 4 stars; one submission).

Conditions:
Inborn genetic diseases. Identifiers: MedGen C0950123, MeSH D030342.

Allele frequency attached by ClinVar (database versions not stated): gnomAD exomes below 0.00001.

Submission:

Ambry Genetics
Classification: Uncertain significance for Inborn genetic diseases. Last evaluated: 2020-12-18. Review status: criteria provided, single submitter. Criteria: Ambry Variant Classification Scheme 2023. Collection method: clinical testing. Allele origin: germline.
Comment: The p.M123T variant (also known as c.368T>C), located in coding exon 2 of the FAM134B gene, results from a T to C substitution at nucleotide position 368. The methionine at codon 123 is replaced by threonine, an amino acid with similar properties. This amino acid position is not well conserved in available vertebrate species. In addition, this alteration is predicted to be tolerated by in silico analysis. Since supporting evidence is limited at this time, the clinical significance of this alteration remains unclear.

NM_001034850.3(RETREG1):c.368T>C (p.Met123Thr)

Gene: RETREG1 (reticulophagy regulator 1; minus strand). Cytogenetic location: 5p15.1.
Variant type: single nucleotide variant.
Coding change: c.368T>C on transcript NM_001034850.3 (MANE Select); coding-DNA position 368, T replaced by C.
Protein change: p.Met123Thr; replaces methionine 123 with threonine.
Molecular consequence: missense variant.
Genome position (GRCh38, 1-based): chr5:16,572,055, A>G on the plus strand (T>C on the coding strand, the complement: RETREG1 is on the minus strand). VCF-style: chr5-16572055-A-G. GRCh37 (hg19) VCF-style: chr5-16572164-A-G.
Other names: short protein forms M123T.
Identifiers: ClinVar variation 1800190 (VCV001800190.2), dbSNP rs2477712573, ClinGen allele CA359292444.